The following is an entry in ClinVar:

ClinVar aggregate classification (germline): Uncertain significance (1 of 4 stars; one submission).

Allele frequency attached by ClinVar (database versions not stated): gnomAD exomes below 0.00001 and 0.00001.
gnomAD v4.1: 2 of 1,305,370 alleles (0.00015%); highest among the groups gnomAD compares: Non-Finnish European, 0.0001%; no homozygotes.

Submission:

Labcorp Genetics (formerly Invitae), Labcorp
Classification: Uncertain significance. Last evaluated: 2024-02-17. Review status: criteria provided, single submitter. Criteria: Invitae Variant Classification Sherloc (09022015). Collection method: clinical testing. Allele origin: germline.
Comment: This sequence change replaces serine, which is neutral and polar, with glycine, which is neutral and non-polar, at codon 1058 of the ERCC6L2 protein (p.Ser1058Gly). This variant is present in population databases (no rsID available, gnomAD 0.002%). This variant has not been reported in the literature in individuals affected with ERCC6L2-related conditions. ClinVar contains an entry for this variant (Variation ID: 1500581). Experimental studies and prediction algorithms are not available or were not evaluated, and the functional significance of this variant is currently unknown. In summary, the available evidence is currently insufficient to determine the role of this variant in disease. Therefore, it has been classified as a Variant of Uncertain Significance.

NM_020207.7(ERCC6L2):c.3139A>G (p.Ser1047Gly)

Gene: ERCC6L2 (ERCC excision repair 6 like 2; plus strand). Cytogenetic location: 9q22.32.
Variant type: single nucleotide variant.
Coding change: c.3139A>G on transcript NM_020207.7 (MANE Select); coding-DNA position 3139, A replaced by G.
Protein change: p.Ser1047Gly; replaces serine 1047 with glycine.
Molecular consequence: missense variant. On other transcripts: non-coding transcript variant (1).
Genome position (GRCh38, 1-based): chr9:95,972,890, A>G. VCF-style: chr9-95972890-A-G. GRCh37 (hg19) VCF-style: chr9-98735172-A-G.
Other names: c.3139A>G, p.Ser1047Gly (NM_001375291.1, NM_001375292.1, NM_001375293.1 and 1 more transcripts); short protein forms S1047G.
Identifiers: ClinVar variation 1500581 (VCV001500581.7), dbSNP rs1354751619, ClinGen allele CA589285466.